The following is an entry in ClinVar:

ClinVar aggregate classification (germline): Pathogenic. Review status: criteria provided, single submitter (1 of 4 stars). 2 submissions from 2 submitters: Pathogenic (1). 1 of the submissions does not count toward it. Last evaluated 2023-12-21.

Conditions:
Isolated cryptophthalmia. Also called: ANKYLOBLEPHARON, SIMPLE; Cryptophthalmos, unilateral or bilateral, isolated. Identifiers: Orphanet 91396, MedGen C1852453, MONDO:0007410, OMIM 123570.

Submissions (2):

Labcorp Genetics (formerly Invitae), Labcorp
Classification: Pathogenic. Last evaluated: 2023-12-21. Review status: criteria provided, single submitter. Criteria: Invitae Variant Classification Sherloc (09022015). Collection method: clinical testing. Allele origin: germline.
Comment: This sequence change creates a premature translational stop signal (p.Trp1770*) in the FREM2 gene. It is expected to result in an absent or disrupted protein product. Loss-of-function variants in FREM2 are known to be pathogenic (PMID: 18203166, 26552811). This variant is not present in population databases (gnomAD no frequency). This premature translational stop signal has been observed in individual(s) with cryptophthalmos (PMID: 30802441). ClinVar contains an entry for this variant (Variation ID: 625183). For these reasons, this variant has been classified as Pathogenic.

OMIM
Classification: Pathogenic for CRYPTOPHTHALMOS, UNILATERAL OR BILATERAL, ISOLATED. Last evaluated: 2019-04-10. Review status: no assertion criteria provided. Collection method: literature only. Allele origin: germline. Not counted in ClinVar's aggregate classification.

Literature cited by the submitters: PubMed 18203166 (cited by Labcorp Genetics (formerly Invitae), Labcorp); PubMed 26552811 (cited by Labcorp Genetics (formerly Invitae), Labcorp); PubMed 30802441 (cited by Labcorp Genetics (formerly Invitae), Labcorp and OMIM).

NM_207361.6(FREM2):c.5309G>A (p.Trp1770Ter)

Gene: FREM2 (FRAS1 related extracellular matrix 2; plus strand). Cytogenetic location: 13q13.3.
Variant type: single nucleotide variant.
Coding change: c.5309G>A on transcript NM_207361.6 (MANE Select); coding-DNA position 5309, G replaced by A.
Protein change: p.Trp1770Ter; replaces tryptophan 1770 with a stop codon.
Molecular consequence: nonsense.
Genome position (GRCh38, 1-based): chr13:38,764,349, G>A. VCF-style: chr13-38764349-G-A. GRCh37 (hg19) VCF-style: chr13-39338486-G-A.
Other names: short protein forms W1770*.
Identifiers: ClinVar variation 625183 (VCV000625183.4), dbSNP rs1566133616, ClinGen allele CA387884378.